The following is an entry in ClinVar:

NM_001267550.2(TTN):c.46197_46198insGAACCCTT (p.Gln15400fs)

Gene: TTN (titin; minus strand). Cytogenetic location: 2q31.2.
Variant type: Insertion.
Coding change: c.46197_46198insGAACCCTT on transcript NM_001267550.2 (MANE Select); coding-DNA positions 46197 to 46198, GAACCCTT inserted.
Protein change: p.Gln15400fs; shifts the reading frame from glutamine 15400.
Molecular consequence: frameshift variant.
Genome position: GRCh38 VCF-style: chr2-178620323-G-GAAGGGTTC. GRCh37 (hg19) VCF-style: chr2-179485050-G-GAAGGGTTC.
Other names: c.41274_41275insGAACCCTT, p.Gln13759fs (NM_001256850.1); c.19002_19003insGAACCCTT, p.Gln6335fs (NM_003319.4); c.38493_38494insGAACCCTT, p.Gln12832fs (NM_133378.4); c.19377_19378insGAACCCTT, p.Gln6460fs (NM_133432.3); c.19578_19579insGAACCCTT, p.Gln6527fs (NM_133437.4); short protein forms Q6460fs, Q6335fs, Q12832fs, Q13759fs, Q15400fs, Q6527fs.
Identifiers: ClinVar variation 2939771 (VCV002939771.3), dbSNP rs2470998200, ClinGen allele CA2740096146.

ClinVar aggregate classification (germline): Likely pathogenic (1 of 4 stars; one submission).

Conditions:
Dilated cardiomyopathy 1G (CMD1G). Identifiers: Orphanet 154, MedGen C1858763, MONDO:0011400, OMIM 604145.
Autosomal recessive limb-girdle muscular dystrophy type 2J (LGMDR10). Also called: Limb-girdle muscular dystrophy, type 2J; MUSCULAR DYSTROPHY, LIMB-GIRDLE, AUTOSOMAL RECESSIVE 10. Identifiers: Orphanet 140922, MedGen C1837342, MONDO:0012127, OMIM 608807.

Submission:

Labcorp Genetics (formerly Invitae), Labcorp
Classification: Likely pathogenic for Dilated cardiomyopathy 1G; Autosomal recessive limb-girdle muscular dystrophy type 2J. Last evaluated: 2025-10-07. Review status: criteria provided, single submitter. Criteria: Invitae Variant Classification Sherloc (09022015). Collection method: clinical testing. Allele origin: germline.
Comment: This sequence change creates a premature translational stop signal (p.Gln15400Glufs*25) in the TTN gene. While this is not anticipated to result in nonsense mediated decay, it is expected to create a truncated TTN protein. This variant is not present in population databases (gnomAD no frequency). This variant has not been observed in the literature in individuals with autosomal recessive TTN-related conditions. This variant has been reported in individual(s) with dilated cardiomyopathy (internal data); however, the role of the variant in this condition is currently unclear. ClinVar contains an entry for this variant (Variation ID: 2939771). This variant is located in the I band of TTN (PMID: 25589632). Truncating variants in this region have been reported in individuals affected with autosomal recessive centronuclear myopathy (PMID: 23975875, internal data). Truncating variants in this region have also been identified in individuals affected with autosomal dominant dilated cardiomyopathy and/or cardio-related conditions (PMID: 27869827, 32964742, internal data). In summary, the currently available evidence indicates that the variant is pathogenic, but additional data are needed to prove that conclusively. Therefore, this variant has been classified as Likely Pathogenic.

Literature cited by the submitters: PubMed 25589632; PubMed 23975875; PubMed 27869827; PubMed 32964742.